The following is an entry in ClinVar:

NM_000352.6(ABCC8):c.1168G>A (p.Ala390Thr)

Gene: ABCC8 (ATP binding cassette subfamily C member 8; minus strand). Cytogenetic location: 11p15.1.
Variant type: single nucleotide variant.
Coding change: c.1168G>A on transcript NM_000352.6 (MANE Select); coding-DNA position 1168, G replaced by A.
Protein change: p.Ala390Thr; replaces alanine 390 with threonine.
Molecular consequence: missense variant. On other transcripts: non-coding transcript variant (1).
Genome position (GRCh38, 1-based): chr11:17,453,127, C>T on the plus strand (G>A on the coding strand, the complement: ABCC8 is on the minus strand). VCF-style: chr11-17453127-C-T. GRCh37 (hg19) VCF-style: chr11-17474674-C-T.
Other names: c.1168G>A, p.Ala390Thr (NM_001287174.3, NM_001351295.2); c.1165G>A, p.Ala389Thr (NM_001351296.2, NM_001351297.2); c.1168G>A (NM_000352.4); short protein forms A389T, A390T.
Identifiers: ClinVar variation 2443399 (VCV002443399.2), dbSNP rs561312830, ClinGen allele CA5903666.

ClinVar aggregate classification (germline): Uncertain significance. Review status: criteria provided, multiple submitters, no conflicts (2 of 4 stars). 2 submissions from 2 submitters: Uncertain significance (2). Last evaluated 2023-05-23.

Conditions:
ABCC8-related disorder.

Allele frequency attached by ClinVar (database versions not stated): gnomAD exomes below 0.00001; ExAC 0.00001; gnomAD 0.00001; 1000 Genomes Project 0.00020; 1000 Genomes Project 30x 0.00031.

Submissions (2):

PreventionGenetics, part of Exact Sciences
Classification: Uncertain significance for ABCC8-related condition. Last evaluated: 2023-05-23. Review status: criteria provided, single submitter. Criteria: ACMG Guidelines, 2015. Collection method: clinical testing. Allele origin: germline.
Comment: The ABCC8 c.1168G>A variant is predicted to result in the amino acid substitution p.Ala390Thr. To our knowledge, this variant has not been reported in the literature. This variant is reported in 0.0062% of alleles in individuals of African descent in gnomAD. An alternative variant at the same amino acid (p.Ala390Glu) has been reported in an individual with congenital hyperinsulinism (Kapoor et al. 2013. PubMed ID: 23345197). At this time, the clinical significance of this variant is uncertain due to the absence of conclusive functional and genetic evidence.

GeneDx
Classification: Uncertain significance. Last evaluated: 2022-09-08. Review status: criteria provided, single submitter. Criteria: GeneDx Variant Classification Process June 2021. Collection method: clinical testing. Allele origin: germline. Affected: yes.
Comment: In silico analysis supports that this missense variant has a deleterious effect on protein structure/function; Has not been previously published as pathogenic or benign to our knowledge